The following is an entry in ClinVar:

ClinVar aggregate classification (germline): Pathogenic. Review status: criteria provided, single submitter (1 of 4 stars). 3 submissions from 3 submitters: Pathogenic (1). 2 of the submissions do not count toward it. Last evaluated 2022-05-22.

Conditions:
Pachyonychia congenita 3 (PC3). Also called: KRT6A-Related Pachyonychia Congenita; PC-K6a. Identifiers: Orphanet 2309, MedGen C3714948, MONDO:0014324, OMIM 615726.

Submissions (3):

3billion
Classification: Pathogenic for Pachyonychia congenita 3. Last evaluated: 2022-05-22. Review status: criteria provided, single submitter. Criteria: ACMG Guidelines, 2015. Collection method: clinical testing. Allele origin: germline. Affected: yes. Observed: 1 heterozygote.
Comment: The variant is not observed in the gnomAD v2.1.1 dataset. The variant is located in a mutational hot spot and/or well-established functional domain in which established pathogenic variants have been reported. Missense changes are a common disease-causing mechanism. In silico tool predictions suggest damaging effect of the variant on gene or gene product (REVEL: 0.95; 3Cnet: 0.96). Same nucleotide change resulting in same amino acid change has been previously reported to be associated with KRT6A related disorder (ClinVar ID: VCV000066576 / PMID: 16250206). The variant has been observed in multiple (>3) similarly affected unrelated individuals (PMID:16250206, 17309457, 31823354, 32662074). In addition, It has been previously reported as assumed (i.e. paternity and maternity not confirmed) de novo in at least one similarly affected unrelated individual (PMID:32662074). A different missense change at the same codon (p.Leu469Arg) has been reported to be associated with KRT6A related disorder (ClinVar ID: VCV000014637 / PMID: 11886499). Therefore, this variant is classified as pathogenic according to the recommendation of ACMG/AMP guideline.

OMIM
Classification: Pathogenic for PACHYONYCHIA CONGENITA 3. Last evaluated: 2005-10-01. Review status: no assertion criteria provided. Collection method: literature only. Allele origin: germline. Not counted in ClinVar's aggregate classification.

Epithelial Biology;  Institute of Medical Biology, Singapore
No classification provided. Review status: no classification provided. Collection method: not provided. Allele origin: not provided. Not counted in ClinVar's aggregate classification.

Literature cited by the submitters: PubMed 16250206 (cited by 3billion and OMIM); PubMed 32662074 (cited by 3billion); PubMed 11886499 (cited by 3billion); PubMed 17309457 (cited by 3billion); PubMed 31823354 (cited by 3billion).

NM_005554.4(KRT6A):c.1406T>C (p.Leu469Pro)

Gene: KRT6A (keratin 6A; minus strand). Cytogenetic location: 12q13.13.
Variant type: single nucleotide variant.
Coding change: c.1406T>C on transcript NM_005554.4 (MANE Select); coding-DNA position 1406, T replaced by C.
Protein change: p.Leu469Pro; replaces leucine 469 with proline.
Molecular consequence: missense variant.
Genome position (GRCh38, 1-based): chr12:52,488,346, A>G on the plus strand (T>C on the coding strand, the complement: KRT6A is on the minus strand). VCF-style: chr12-52488346-A-G. GRCh37 (hg19) VCF-style: chr12-52882130-A-G.
Other names: short protein forms L469P.
Identifiers: ClinVar variation 66576 (VCV000066576.2), dbSNP rs57052654, ClinGen allele CA170745.